The following is an entry in ClinVar:

NM_000390.4(CHM):c.1511-1G>A

Gene: CHM (CHM Rab escort protein; minus strand). Cytogenetic location: Xq21.2.
Variant type: single nucleotide variant.
Coding change: c.1511-1G>A on transcript NM_000390.4 (MANE Select); the canonical splice acceptor site of the intron before coding-DNA position 1511, G replaced by A.
Molecular consequence: splice acceptor variant.
Genome position (GRCh38, 1-based): chrX:85,879,064, C>T on the plus strand (G>A on the coding strand, the complement: CHM is on the minus strand). VCF-style: chrX-85879064-C-T. GRCh37 (hg19) VCF-style: chrX-85134069-C-T.
Other names: c.1511-1G>A (NM_000390.3); c.1067-1G>A (NM_001362517.1, NM_001320959.1, NM_001362518.2 and 1 more transcripts).
Identifiers: ClinVar variation 2138620 (VCV002138620.10), dbSNP rs2520028297, ClinGen allele CA413787701.

ClinVar aggregate classification (germline): Pathogenic. Review status: criteria provided, multiple submitters, no conflicts (2 of 4 stars). 5 submissions from 5 submitters: Pathogenic (5). Last evaluated 2026-09-10.

Conditions:
Choroideremia. Also called: Chorioretinal scalloped atrophy. Identifiers: Orphanet 180, MedGen C0008525, MONDO:0010557, OMIM 303100, HP:0001139.
CHM-related disorders.
CHM-related disorder. Also called: CHM-related condition.

Submissions (5):

PreventionGenetics, part of Exact Sciences
Classification: Pathogenic for CHM-related condition. Last evaluated: 2026-09-10. Review status: criteria provided, single submitter. Criteria: ACMG Guidelines, 2015. Collection method: clinical testing. Allele origin: germline.
Comment: The CHM c.1511-1G>A variant is predicted to disrupt the AG splice acceptor site and interfere with normal splicing. This variant has been reported in families with choroideremia (Freund et al. 2016. PubMed ID: 27247961; Vitale et al. 2020. PubMed ID: 33062396). This variant has not been reported in a large population database (gnomAD), indicating this variant is rare. Variants that disrupt the consensus splice acceptor site in CHM are an established mechanism of disease. Given the evidence, we interpret this variant as pathogenic.

Natera, Inc.
Classification: Pathogenic for Choroideremia. Last evaluated: 2025-12-16. Review status: criteria provided, single submitter. Criteria: Natera Variant Classification Schema (03/2026). Collection method: clinical testing. Allele origin: germline.
Comment: The c.1511-1G>A variant in CHM is a canonical splice acceptor site variant predicted to affect pre-mRNA splicing, which may result in an abnormal transcript and altered protein product. This variant is expected to result in nonsense mediated decay, truncation, or a dysfunctional protein product. This variant is rare in the general population with a frequency below the threshold expected for the associated phenotype(s). This variant has been observed in affected individual(s) with monoallelic occurrence (heterozygous/hemizygous) (PMID: 27247961). Another variant at this same site results in an alteration predicted to cause a similar molecular effect has been observed in individual(s) with the associated phenotype. Given the available evidence, this variant is classified as Pathogenic.

Myriad Genetics, Inc.
Classification: Pathogenic for Choroideremia. Last evaluated: 2025-06-04. Review status: criteria provided, single submitter. Criteria: Myriad Autosomal Dominant, Autosomal Recessive and X-Linked Classification Criteria (2023). Collection method: clinical testing. Allele origin: unknown.
Comment: NM_000390.2(CHM):c.1511-1G>A is a variant in a canonical splice site classified as pathogenic in the context of X-linked choroideremia. c.1511-1G>A has been observed in cases with relevant disease (PMID: 27247961). Relevant functional assessments of this variant are not available in the literature. c.1511-1G>A has not been observed in referenced population frequency databases. In summary, NM_000390.2(CHM):c.1511-1G>A is a variant in a canonical splice site in a gene where loss of function is a known mechanism of disease, is predicted to disrupt protein function, and has been observed more frequently in cases with the relevant disease than in healthy populations. Please note: this variant was assessed in the context of healthy population screening.

Blueprint Genetics
Classification: Pathogenic for CHM-related disorders. Last evaluated: 2024-04-17. Review status: criteria provided, single submitter. Criteria: ACMG Guidelines, 2015. Collection method: clinical testing. Allele origin: germline. Affected: yes. Observed: 1 variant allele.

Labcorp Genetics (formerly Invitae), Labcorp
Classification: Pathogenic. Last evaluated: 2022-12-15. Review status: criteria provided, single submitter. Criteria: Invitae Variant Classification Sherloc (09022015). Collection method: clinical testing. Allele origin: germline.
Comment: This variant is not present in population databases (gnomAD no frequency). Disruption of this splice site has been observed in individual(s) with choroideremia (PMID: 27247961). Algorithms developed to predict the effect of sequence changes on RNA splicing suggest that this variant may disrupt the consensus splice site. This sequence change affects an acceptor splice site in intron 12 of the CHM gene. It is expected to disrupt RNA splicing. Variants that disrupt the donor or acceptor splice site typically lead to a loss of protein function (PMID: 16199547), and loss-of-function variants in CHM are known to be pathogenic (PMID: 9067750, 23811034). For these reasons, this variant has been classified as Pathogenic.

Literature cited by the submitters: PubMed 27247961 (cited by 3 submitters); PubMed 16199547 (cited by Labcorp Genetics (formerly Invitae), Labcorp); PubMed 9067750 (cited by Labcorp Genetics (formerly Invitae), Labcorp); PubMed 23811034 (cited by Labcorp Genetics (formerly Invitae), Labcorp).